The following is an entry in ClinVar:

ClinVar aggregate classification (germline): Uncertain significance (1 of 4 stars; one submission).

Allele frequency attached by ClinVar (database versions not stated): gnomAD 0.00002; TOPMed 0.00004; gnomAD exomes 0.00004.
gnomAD v4.1: 108 of 1,602,642 alleles (0.0067%); highest among the groups gnomAD compares: Non-Finnish European, 0.0087%; no homozygotes.

Submission:

Labcorp Genetics (formerly Invitae), Labcorp
Classification: Uncertain significance. Last evaluated: 2021-10-22. Review status: criteria provided, single submitter. Criteria: Invitae Variant Classification Sherloc (09022015). Collection method: clinical testing. Allele origin: germline.
Comment: This variant occurs in a non-coding region of the EYS gene. It does not change the encoded amino acid sequence of the EYS protein. This variant is present in population databases (rs769133109, gnomAD 0.01%). This variant has not been reported in the literature in individuals affected with EYS-related conditions. Experimental studies and prediction algorithms are not available or were not evaluated, and the functional significance of this variant is currently unknown. In summary, the available evidence is currently insufficient to determine the role of this variant in disease. Therefore, it has been classified as a Variant of Uncertain Significance.

NM_001142800.2(EYS):c.-27T>C

Gene: EYS (eyes shut homolog; minus strand). Cytogenetic location: 6q12.
Variant type: single nucleotide variant.
Coding change: c.-27T>C on transcript NM_001142800.2 (MANE Select); 27 bases upstream of the start codon, T replaced by C.
Molecular consequence: 5 prime UTR variant.
Genome position (GRCh38, 1-based): chr6:65,495,437, A>G on the plus strand (T>C on the coding strand, the complement: EYS is on the minus strand). VCF-style: chr6-65495437-A-G. GRCh37 (hg19) VCF-style: chr6-66205330-A-G.
Other names: c.-27T>C (NM_001142801.2, NM_001292009.2, NM_198283.2).
Identifiers: ClinVar variation 1490214 (VCV001490214.3), dbSNP rs769133109, ClinGen allele CA3878154.